The following is an entry in ClinVar:

NM_001318852.2(MAPK8IP3):c.990T>C (p.Ser330=)

Gene: MAPK8IP3 (mitogen-activated protein kinase 8 interacting protein 3; plus strand). Cytogenetic location: 16p13.3.
Variant type: single nucleotide variant.
Coding change: c.990T>C on transcript NM_001318852.2 (MANE Select); coding-DNA position 990, T replaced by C.
Protein change: p.Ser330=; no amino-acid change (serine 330 retained).
Molecular consequence: synonymous variant.
Genome position (GRCh38, 1-based): chr16:1,747,271, T>C. VCF-style: chr16-1747271-T-C. GRCh37 (hg19) VCF-style: chr16-1797272-T-C.
Other names: c.987T>C, p.Ser329= (NM_001040439.2, NM_015133.5, NM_033392.3); c.990T>C (NM_001318852.1).
Identifiers: ClinVar variation 2645913 (VCV002645913.25), dbSNP rs112559650, ClinGen allele CA7816548.

ClinVar aggregate classification (germline): Likely benign. Review status: criteria provided, multiple submitters, no conflicts (2 of 4 stars). 3 submissions from 3 submitters: Likely benign (2). 1 of the submissions does not count toward it. Last evaluated 2026-06-01.

Conditions:
MAPK8IP3-related disorder. Also called: MAPK8IP3-related condition.

Allele frequency attached by ClinVar (database versions not stated): 1000 Genomes Project 0.00060; 1000 Genomes Project 30x 0.00062; TOPMed 0.00108; gnomAD 0.00144; ESP Exome Variant Server 0.00158; gnomAD exomes 0.00158; ExAC 0.00193.
gnomAD v4.1: 2,507 of 1,612,368 alleles (0.16%); highest among the groups gnomAD compares: Non-Finnish European, 0.18%; 4 homozygotes.

Submissions (3):

CeGaT Center for Human Genetics Tuebingen
Classification: Likely benign. Last evaluated: 2026-06-01. Review status: criteria provided, single submitter. Criteria: CeGaT Center For Human Genetics Tuebingen Variant Classification Criteria Version 2. Collection method: clinical testing. Allele origin: germline. Affected: yes. Observed: 29 variant alleles.
Comment: MAPK8IP3: BP4, BP7, BS1

Blueprint Genetics
Classification: Likely benign. Last evaluated: 2024-11-11. Review status: criteria provided, single submitter. Criteria: ACMG Guidelines, 2015. Collection method: clinical testing. Allele origin: germline.

PreventionGenetics, part of Exact Sciences
Classification: Benign for MAPK8IP3-related condition. Last evaluated: 2019-11-27. Review status: no assertion criteria provided. Collection method: clinical testing. Allele origin: germline. Not counted in ClinVar's aggregate classification.
Comment: This variant is classified as benign based on ACMG/AMP sequence variant interpretation guidelines (Richards et al. 2015 PMID: 25741868, with internal and published modifications).